The following is an entry in ClinVar:

NM_182961.4(SYNE1):c.9420G>A (p.Ala3140=)

Gene: SYNE1 (spectrin repeat containing nuclear envelope protein 1; minus strand). Cytogenetic location: 6q25.2.
Variant type: single nucleotide variant.
Coding change: c.9420G>A on transcript NM_182961.4 (MANE Select); coding-DNA position 9420, G replaced by A.
Protein change: p.Ala3140=; no amino-acid change (alanine 3140 retained).
Molecular consequence: synonymous variant.
Genome position (GRCh38, 1-based): chr6:152,373,124, C>T on the plus strand (G>A on the coding strand, the complement: SYNE1 is on the minus strand). VCF-style: chr6-152373124-C-T. GRCh37 (hg19) VCF-style: chr6-152694259-C-T.
Other names: c.9420G>A (NM_182961.2); c.9441G>A, p.Ala3147= (NM_033071.5).
Identifiers: ClinVar variation 285236 (VCV000285236.19), dbSNP rs188913729, ClinGen allele CA4057325.
Genomic context (GRCh38, chr6:152,373,124, plus strand): 5'-ATTTGAATGAAAATTTTTCCAATCTTCTTTTGCAGCTGTAACTTTGGCCTGGATCCCTTT[C>T]GCTTTCTCTTTGGTCAGCAGGGTACTCAGAAGTTCCCCTTTAGACAGCATCATGTTTAGC-3'
Protein context (NP_892006.3, residues 3130-3150): LLSTLLTKEK[Ala3140=]KGIQAKVTAA

ClinVar aggregate classification (germline): Benign/Likely benign. Review status: criteria provided, multiple submitters, no conflicts (2 of 4 stars). 7 submissions from 6 submitters: Benign (3); Likely benign (4). Last evaluated 2026-01-22.

Conditions:
Emery-Dreifuss muscular dystrophy 4, autosomal dominant (EDMD4). Also called: EMERY-DREIFUSS MUSCULAR DYSTROPHY 4 WITH VARIABLE FEATURES. Identifiers: Orphanet 261, MedGen C2751807, MONDO:0013071, OMIM 612998.
Autosomal recessive ataxia, Beauce type. Also called: SYNE1 Deficiency; ATAXIA, RECESSIVE, OF BEAUCE; SYNE1-Related Autosomal Recessive Cerebellar Ataxia; Spinocerebellar ataxia, autosomal recessive 8. Identifiers: Orphanet 88644, MedGen C1853116, MONDO:0012549, OMIM 610743.

Allele frequency attached by ClinVar (database versions not stated): ESP Exome Variant Server 0.00015; gnomAD exomes 0.00018 and 0.00050; gnomAD 0.00027 and 0.00037; TOPMed 0.00045; ExAC 0.00047; 1000 Genomes Project 30x 0.00109; 1000 Genomes Project 0.00140.
gnomAD v4.1: 325 of 1,614,106 alleles (0.02%); highest among the groups gnomAD compares: East Asian, 0.47%; no homozygotes.

Submissions (7):

Labcorp Genetics (formerly Invitae), Labcorp
Classification: Benign for Emery-Dreifuss muscular dystrophy 4, autosomal dominant; Autosomal recessive ataxia, Beauce type. Last evaluated: 2026-01-22. Review status: criteria provided, single submitter. Criteria: Invitae Variant Classification Sherloc (09022015). Collection method: clinical testing. Allele origin: germline.

Women's Health and Genetics/Laboratory Corporation of America, LabCorp
Classification: Likely benign. Last evaluated: 2025-06-18. Review status: criteria provided, single submitter. Criteria: LabCorp Variant Classification Summary - May 2015. Collection method: clinical testing. Allele origin: germline.

Blueprint Genetics
Classification: Likely benign. Last evaluated: 2024-10-22. Review status: criteria provided, single submitter. Criteria: ACMG Guidelines, 2015. Collection method: clinical testing. Allele origin: germline.

Athena Diagnostics
Classification: Benign. Last evaluated: 2023-12-15. Review status: criteria provided, single submitter. Criteria: Athena Diagnostics Criteria. Collection method: clinical testing. Allele origin: unknown.

Illumina Laboratory Services, Illumina
Classification: Benign for Emery-Dreifuss muscular dystrophy 4, autosomal dominant. Last evaluated: 2018-01-13. Review status: criteria provided, single submitter. Criteria: ICSL Variant Classification Criteria 13 December 2019. Collection method: clinical testing. Allele origin: germline.
Comment: This variant was observed in the ICSL laboratory as part of a predisposition screen in an ostensibly healthy population. It had not been previously curated by ICSL or reported in the Human Gene Mutation Database (HGMD: prior to June 1st, 2018), and was therefore a candidate for classification through an automated scoring system. Utilizing variant allele frequency, disease prevalence and penetrance estimates, and inheritance mode, an automated score was calculated to assess if this variant is too frequent to cause the disease. Based on the score and internal cut-off values, a variant classified as benign is not then subjected to further curation. The score for this variant resulted in a classification of benign for this disease.

Illumina Laboratory Services, Illumina
Classification: Likely benign for Autosomal recessive ataxia, Beauce type. Last evaluated: 2018-01-13. Review status: criteria provided, single submitter. Criteria: ICSL Variant Classification Criteria 13 December 2019. Collection method: clinical testing. Allele origin: germline.
Comment: This variant was observed in the ICSL laboratory as part of a predisposition screen in an ostensibly healthy population. It had not been previously curated by ICSL or reported in the Human Gene Mutation Database (HGMD: prior to June 1st, 2018), and was therefore a candidate for classification through an automated scoring system. Utilizing variant allele frequency, disease prevalence and penetrance estimates, and inheritance mode, an automated score was calculated to assess if this variant is too frequent to cause the disease. Based on the score and internal cut-off values, a variant classified as likely benign is not then subjected to further curation. The score for this variant resulted in a classification of likely benign for this disease.

Eurofins Ntd Llc (ga)
Classification: Likely benign. Last evaluated: 2015-12-15. Review status: criteria provided, single submitter. Criteria: EGL Classification Definitions 2015. Collection method: clinical testing. Allele origin: germline. Observed: 1 variant allele, 1 heterozygote.